The following is an entry in ClinVar:

ClinVar aggregate classification (germline): Likely benign (1 of 4 stars; one submission).

gnomAD v4.1: 1 of 1,588,022 alleles (0.000063%); highest among the groups gnomAD compares: South Asian, 0.0011%; no homozygotes.

Submission:

CeGaT Center for Human Genetics Tuebingen
Classification: Likely benign. Last evaluated: 2025-10-01. Review status: criteria provided, single submitter. Criteria: CeGaT Center For Human Genetics Tuebingen Variant Classification Criteria Version 2. Collection method: clinical testing. Allele origin: germline. Affected: yes. Observed: 1 variant allele.
Comment: NBEA: BP4, BP7

NM_001385012.1(NBEA):c.5373T>C (p.Val1791=)

Gene: NBEA (neurobeachin; plus strand). Cytogenetic location: 13q13.3.
Variant type: single nucleotide variant.
Coding change: c.5373T>C on transcript NM_001385012.1 (MANE Select); coding-DNA position 5373, T replaced by C.
Protein change: p.Val1791=; no amino-acid change (valine 1791 retained).
Molecular consequence: synonymous variant.
Genome position (GRCh38, 1-based): chr13:35,208,706, T>C. VCF-style: chr13-35208706-T-C. GRCh37 (hg19) VCF-style: chr13-35782843-T-C.
Other names: c.5364T>C, p.Val1788= (NM_001379245.1); c.5373T>C, p.Val1791= (NM_015678.5).
Identifiers: ClinVar variation 4534798 (VCV004534798.6).